The following is an entry in ClinVar:

ClinVar aggregate classification (germline): Uncertain significance. Review status: criteria provided, multiple submitters, no conflicts (2 of 4 stars). 5 submissions from 5 submitters: Uncertain significance (5). Last evaluated 2025-10-23.

Conditions:
Inborn genetic diseases. Identifiers: MedGen C0950123, MeSH D030342.
KBG syndrome (KBGS). Also called: ANKRD11-Related KBG Syndrome. Identifiers: Orphanet 2332, MedGen C0220687, MONDO:0007846, OMIM 148050.

Allele frequency attached by ClinVar (database versions not stated): TOPMed 0.00001.
gnomAD v4.1: 4 of 1,614,100 alleles (0.00025%); highest among the groups gnomAD compares: Admixed American, 0.0017%; no homozygotes.

Submissions (5):

Women's Health and Genetics/Laboratory Corporation of America, LabCorp
Classification: Uncertain significance. Last evaluated: 2025-10-23. Review status: criteria provided, single submitter. Criteria: LabCorp Variant Classification Summary - May 2015. Collection method: clinical testing. Allele origin: germline.
Comment: Variant summary: ANKRD11 c.4928C>A (p.Pro1643Gln) results in a non-conservative amino acid change in the encoded protein sequence. Algorithms developed to predict the effect of missense changes on protein structure and function are either unavailable or do not agree on the potential impact of this missense change. The variant was absent in 250784 control chromosomes. The available data on variant occurrences in the general population are insufficient to allow any conclusion about variant significance. To our knowledge, no occurrence of c.4928C>A in individuals affected with ANKRD11-related conditions and no experimental evidence demonstrating its impact on protein function have been reported. ClinVar contains an entry for this variant (Variation ID: 588210). Based on the evidence outlined above, the variant was classified as uncertain significance.

Labcorp Genetics (formerly Invitae), Labcorp
Classification: Uncertain significance for KBG syndrome. Last evaluated: 2025-09-10. Review status: criteria provided, single submitter. Criteria: Invitae Variant Classification Sherloc (09022015). Collection method: clinical testing. Allele origin: germline.
Comment: This sequence change replaces proline, which is neutral and non-polar, with glutamine, which is neutral and polar, at codon 1643 of the ANKRD11 protein (p.Pro1643Gln). This variant is not present in population databases (gnomAD no frequency). This variant has not been reported in the literature in individuals affected with ANKRD11-related conditions. ClinVar contains an entry for this variant (Variation ID: 588210). Invitae Evidence Modeling of protein sequence and biophysical properties (such as structural, functional, and spatial information, amino acid conservation, physicochemical variation, residue mobility, and thermodynamic stability) indicates that this missense variant is not expected to disrupt ANKRD11 protein function with a negative predictive value of 95%. In summary, the available evidence is currently insufficient to determine the role of this variant in disease. Therefore, it has been classified as a Variant of Uncertain Significance.

Laboratorio de Genetica e Diagnostico Molecular, Hospital Israelita Albert Einstein
Classification: Uncertain significance for KBG syndrome. Last evaluated: 2021-06-28. Review status: criteria provided, single submitter. Criteria: ACMG Guidelines, 2015. Collection method: clinical testing. Allele origin: germline. Affected: yes.
Comment: ACMG classification criteria: PM2 moderate, BP4 supporting

New York Genome Center
Classification: Uncertain significance for KBG syndrome. Last evaluated: 2021-06-16. Review status: criteria provided, single submitter. Criteria: NYGC Assertion Criteria 2020. Collection method: clinical testing. Allele origin: germline. Observed: 1 heterozygote. Study: CSER-NYCKidSeq.

Ambry Genetics
Classification: Uncertain significance for Inborn genetic diseases. Last evaluated: 2020-11-19. Review status: criteria provided, single submitter. Criteria: Ambry Variant Classification Scheme 2023. Collection method: clinical testing. Allele origin: germline.
Comment: The c.4928C>A (p.P1643Q) alteration is located in exon 9 (coding exon 7) of the ANKRD11 gene. This alteration results from a C to A substitution at nucleotide position 4928, causing the proline (P) at amino acid position 1643 to be replaced by a glutamine (Q). The p.P1643Q alteration is predicted to be tolerated by in silico analysis. Based on insufficient or conflicting evidence, the clinical significance of this alteration remains unclear.

NM_013275.6(ANKRD11):c.4928C>A (p.Pro1643Gln)

Gene: ANKRD11 (ankyrin repeat domain 11; minus strand). Cytogenetic location: 16q24.3.
Variant type: single nucleotide variant.
Coding change: c.4928C>A on transcript NM_013275.6 (MANE Select); coding-DNA position 4928, C replaced by A.
Protein change: p.Pro1643Gln; replaces proline 1643 with glutamine.
Molecular consequence: missense variant.
Genome position (GRCh38, 1-based): chr16:89,281,614, G>T on the plus strand (C>A on the coding strand, the complement: ANKRD11 is on the minus strand). VCF-style: chr16-89281614-G-T. GRCh37 (hg19) VCF-style: chr16-89348022-G-T.
Other names: c.4928C>A, p.Pro1643Gln (NM_001256182.2, NM_001256183.2); short protein forms P1643Q.
Identifiers: ClinVar variation 588210 (VCV000588210.12), dbSNP rs147690079, ClinGen allele CA286515241.
Genomic context (GRCh38, chr16:89,281,614, plus strand): 5'-GCAGGTGGAATAGGAGTCGACTCTTTGAGCTTTTTGTCTTTAAATGGAGGGTCCAGCCCC[G>T]GCGGTTTCTTAGCAGGAATGTCCAGACCCTTCTTCCGCCCGTCGTCTGCCGGCTTCGCCT-3'
Protein context (NP_037407.4, residues 1633-1653): KGLDIPAKKP[Pro1643Gln]GLDPPFKDKK